The following is an entry in ClinVar:

NM_002427.4(MMP13):c.953C>T (p.Ala318Val)

Gene: MMP13 (matrix metallopeptidase 13; minus strand). Cytogenetic location: 11q22.2.
Variant type: single nucleotide variant.
Coding change: c.953C>T on transcript NM_002427.4 (MANE Select); coding-DNA position 953, C replaced by T.
Protein change: p.Ala318Val; replaces alanine 318 with valine.
Molecular consequence: missense variant.
Genome position (GRCh38, 1-based): chr11:102,949,123, G>A on the plus strand (C>T on the coding strand, the complement: MMP13 is on the minus strand). VCF-style: chr11-102949123-G-A. GRCh37 (hg19) VCF-style: chr11-102819852-G-A.
Other names: c.953C>T (NM_002427.3); short protein forms A318V.
Identifiers: ClinVar variation 2069317 (VCV002069317.6), dbSNP rs199992289, ClinGen allele CA6251827.

ClinVar aggregate classification (germline): Uncertain significance. Review status: criteria provided, multiple submitters, no conflicts (2 of 4 stars). 2 submissions from 2 submitters: Uncertain significance (2). Last evaluated 2024-11-25.

Allele frequency attached by ClinVar (database versions not stated): gnomAD 0.00006; ExAC 0.00006; 1000 Genomes Project 30x 0.00031; TOPMed 0.00002; 1000 Genomes Project 0.00020.

Submissions (2):

Labcorp Genetics (formerly Invitae), Labcorp
Classification: Uncertain significance. Last evaluated: 2024-11-25. Review status: criteria provided, single submitter. Criteria: Invitae Variant Classification Sherloc (09022015). Collection method: clinical testing. Allele origin: germline.
Comment: This sequence change replaces alanine, which is neutral and non-polar, with valine, which is neutral and non-polar, at codon 318 of the MMP13 protein (p.Ala318Val). This variant is present in population databases (rs199992289, gnomAD 0.02%). This variant has not been reported in the literature in individuals affected with MMP13-related conditions. ClinVar contains an entry for this variant (Variation ID: 2069317). Invitae Evidence Modeling of protein sequence and biophysical properties (such as structural, functional, and spatial information, amino acid conservation, physicochemical variation, residue mobility, and thermodynamic stability) indicates that this missense variant is not expected to disrupt MMP13 protein function with a negative predictive value of 80%. In summary, the available evidence is currently insufficient to determine the role of this variant in disease. Therefore, it has been classified as a Variant of Uncertain Significance.

Ambry Genetics
Classification: Uncertain significance. Last evaluated: 2023-06-02. Review status: criteria provided, single submitter. Criteria: Ambry Variant Classification Scheme 2023. Collection method: clinical testing. Allele origin: germline.